The following is an entry in ClinVar:

ClinVar aggregate classification (germline): Uncertain significance (1 of 4 stars; one submission).

Submission:

GeneDx
Classification: Uncertain significance. Last evaluated: 2023-10-12. Review status: criteria provided, single submitter. Criteria: GeneDx Variant Classification Process June 2021. Collection method: clinical testing. Allele origin: germline. Affected: yes.
Comment: Not observed at significant frequency in large population cohorts (gnomAD); Missense variants in this gene are a common cause of disease and they are underrepresented in the general population; In silico analysis supports that this missense variant has a deleterious effect on protein structure/function; Has not been previously published as pathogenic or benign to our knowledge

NM_002524.5(NRAS):c.542G>A (p.Cys181Tyr)

Gene: NRAS (NRAS proto-oncogene, GTPase; minus strand). Cytogenetic location: 1p13.2.
Variant type: single nucleotide variant.
Coding change: c.542G>A on transcript NM_002524.5 (MANE Select); coding-DNA position 542, G replaced by A.
Protein change: p.Cys181Tyr; replaces cysteine 181 with tyrosine.
Molecular consequence: missense variant.
Genome position (GRCh38, 1-based): chr1:114,708,563, C>T on the plus strand (G>A on the coding strand, the complement: NRAS is on the minus strand). VCF-style: chr1-114708563-C-T. GRCh37 (hg19) VCF-style: chr1-115251184-C-T.
Other names: short protein forms C181Y.
Identifiers: ClinVar variation 3365937 (VCV003365937.1).
Genomic context (GRCh38, chr1:114,708,563, plus strand): 5'-TAATTATGCCAAGAAACCATATGCTCACCTTGTTACATCACCACACATGGCAATCCCATA[C>T]AACCCTGAGTCCCATCATCACTGCTGTTGAGTTTTTTCATTCGGTACTGGCGTATTTCTC-3'
Protein context (NP_002515.1, residues 171-189): LNSSDDGTQG[Cys181Tyr]MGLPCVVM